The following is an entry in ClinVar:

NM_001611.5(ACP5):c.532G>A (p.Val178Met)

Gene: ACP5 (acid phosphatase 5, tartrate resistant; minus strand). Cytogenetic location: 19p13.2.
Variant type: single nucleotide variant.
Coding change: c.532G>A on transcript NM_001611.5 (MANE Select); coding-DNA position 532, G replaced by A.
Protein change: p.Val178Met; replaces valine 178 with methionine.
Molecular consequence: missense variant.
Genome position (GRCh38, 1-based): chr19:11,576,446, C>T on the plus strand (G>A on the coding strand, the complement: ACP5 is on the minus strand). VCF-style: chr19-11576446-C-T. GRCh37 (hg19) VCF-style: chr19-11687261-C-T.
Other names: c.532G>A, p.Val178Met (NM_001111034.3, NM_001111035.3, NM_001111036.3 and 1 more transcripts); c.532G>A (NM_001111035.1); short protein forms V178M.
Identifiers: ClinVar variation 2051011 (VCV002051011.2), dbSNP rs144617874, ClinGen allele CA9215393.

ClinVar aggregate classification (germline): Uncertain significance. Review status: criteria provided, multiple submitters, no conflicts (2 of 4 stars). 2 submissions from 2 submitters: Uncertain significance (2). Last evaluated 2024-03-01.

Conditions:
Inborn genetic diseases. Identifiers: MedGen C0950123, MeSH D030342.
Spondyloenchondrodysplasia with immune dysregulation (SPENCDI). Also called: ROIFMAN IMMUNOSKELETAL SYNDROME; COMBINED IMMUNODEFICIENCY WITH AUTOIMMUNITY AND SPONDYLOMETAPHYSEAL DYSPLASIA; SPONDYLOENCHONDRODYSPLASIA WITH OR WITHOUT IMMUNE DYSREGULATION. Identifiers: Orphanet 1855, MedGen C1842763, MONDO:0011939, OMIM 607944.

Allele frequency attached by ClinVar (database versions not stated): ExAC 0.00002; TOPMed 0.00003; gnomAD 0.00004; gnomAD exomes 0.00006; ESP Exome Variant Server 0.00008; 1000 Genomes Project 30x 0.00016; 1000 Genomes Project 0.00020.
gnomAD v4.1: 96 of 1,614,120 alleles (0.0059%); highest among the groups gnomAD compares: East Asian, 0.0089%; no homozygotes.

Submissions (2):

Ambry Genetics
Classification: Uncertain significance for Inborn genetic diseases. Last evaluated: 2024-03-01. Review status: criteria provided, single submitter. Criteria: Ambry Variant Classification Scheme 2023. Collection method: clinical testing. Allele origin: germline.

Labcorp Genetics (formerly Invitae), Labcorp
Classification: Uncertain significance for Spondyloenchondrodysplasia with immune dysregulation. Last evaluated: 2022-08-23. Review status: criteria provided, single submitter. Criteria: Invitae Variant Classification Sherloc (09022015). Collection method: clinical testing. Allele origin: germline.
Comment: This sequence change replaces valine, which is neutral and non-polar, with methionine, which is neutral and non-polar, at codon 178 of the ACP5 protein (p.Val178Met). This variant is present in population databases (rs144617874, gnomAD 0.01%). This variant has not been reported in the literature in individuals affected with ACP5-related conditions. Algorithms developed to predict the effect of missense changes on protein structure and function are either unavailable or do not agree on the potential impact of this missense change (SIFT: "Not Available"; PolyPhen-2: "Benign"; Align-GVGD: "Not Available"). In summary, the available evidence is currently insufficient to determine the role of this variant in disease. Therefore, it has been classified as a Variant of Uncertain Significance.